The following is an entry in ClinVar:

ClinVar aggregate classification (germline): Uncertain significance (1 of 4 stars; one submission).

Conditions:
Gnathodiaphyseal dysplasia (GDD). Also called: GNATHODIAPHYSEAL SCLEROSIS; OSTEOGENESIS IMPERFECTA WITH UNUSUAL SKELETAL LESIONS. Identifiers: Orphanet 53697, MedGen C1833736, MONDO:0008151, OMIM 166260.
Autosomal recessive limb-girdle muscular dystrophy type 2L (LGMDR12). Also called: Limb-girdle muscular dystrophy, type 2L; MUSCULAR DYSTROPHY, LIMB-GIRDLE, AUTOSOMAL RECESSIVE 12; Limb-Girdle Muscular Dystrophy R12 Anoctamin-5-Related (LGMD-R12). Identifiers: Orphanet 206549, MedGen C1969785, MONDO:0012652, OMIM 611307.

gnomAD v4.1: 4 of 1,608,656 alleles (0.00025%); highest among the groups gnomAD compares: East Asian, 0.0022%; no homozygotes.

Submission:

Labcorp Genetics (formerly Invitae), Labcorp
Classification: Uncertain significance for Autosomal recessive limb-girdle muscular dystrophy type 2L; Gnathodiaphyseal dysplasia. Last evaluated: 2025-08-25. Review status: criteria provided, single submitter. Criteria: Invitae Variant Classification Sherloc (09022015). Collection method: clinical testing. Allele origin: germline.
Comment: This sequence change replaces alanine, which is neutral and non-polar, with serine, which is neutral and polar, at codon 94 of the ANO5 protein (p.Ala94Ser). This variant is not present in population databases (gnomAD no frequency). This variant has not been reported in the literature in individuals affected with ANO5-related conditions. Invitae Evidence Modeling of protein sequence and biophysical properties (such as structural, functional, and spatial information, amino acid conservation, physicochemical variation, residue mobility, and thermodynamic stability) indicates that this missense variant is not expected to disrupt ANO5 protein function with a negative predictive value of 80%. In summary, the available evidence is currently insufficient to determine the role of this variant in disease. Therefore, it has been classified as a Variant of Uncertain Significance.

NM_213599.3(ANO5):c.280G>T (p.Ala94Ser)

Gene: ANO5 (anoctamin 5; plus strand). Cytogenetic location: 11p14.3.
Variant type: single nucleotide variant.
Coding change: c.280G>T on transcript NM_213599.3 (MANE Select); coding-DNA position 280, G replaced by T.
Protein change: p.Ala94Ser; replaces alanine 94 with serine.
Molecular consequence: missense variant.
Genome position (GRCh38, 1-based): chr11:22,221,196, G>T. VCF-style: chr11-22221196-G-T. GRCh37 (hg19) VCF-style: chr11-22242742-G-T.
Other names: c.277G>T, p.Ala93Ser (NM_001142649.2); c.187G>T, p.Ala63Ser (NM_001441302.1, NM_001441296.1); c.238G>T, p.Ala80Ser (NM_001410963.1, NM_001441298.1, NM_001441300.1); c.235G>T, p.Ala79Ser (NM_001410964.1, NM_001441299.1, NM_001441301.1); c.202G>T, p.Ala68Ser (NM_001441294.1); c.199G>T, p.Ala67Ser (NM_001441295.1); c.160G>T, p.Ala54Ser (NM_001441297.1); short protein forms A79S, A63S, A67S, A54S, A80S, A68S, A93S, A94S.
Identifiers: ClinVar variation 4791720 (VCV004791720.1).